The following is an entry in ClinVar:

ClinVar aggregate classification (germline): Uncertain significance. Review status: criteria provided, multiple submitters, no conflicts (2 of 4 stars). 3 submissions from 3 submitters: Uncertain significance (3). Last evaluated 2024-02-12.

Allele frequency attached by ClinVar (database versions not stated): TOPMed 0.00001.

Submissions (3):

Ambry Genetics
Classification: Uncertain significance. Last evaluated: 2024-02-12. Review status: criteria provided, single submitter. Criteria: Ambry Variant Classification Scheme 2023. Collection method: clinical testing. Allele origin: germline.

Labcorp Genetics (formerly Invitae), Labcorp
Classification: Uncertain significance. Last evaluated: 2023-02-05. Review status: criteria provided, single submitter. Criteria: Invitae Variant Classification Sherloc (09022015). Collection method: clinical testing. Allele origin: germline.
Comment: In summary, the available evidence is currently insufficient to determine the role of this variant in disease. Therefore, it has been classified as a Variant of Uncertain Significance. Algorithms developed to predict the effect of missense changes on protein structure and function (SIFT, PolyPhen-2, Align-GVGD) all suggest that this variant is likely to be disruptive. This variant has not been reported in the literature in individuals affected with MKL1-related conditions. This variant is not present in population databases (gnomAD no frequency). This sequence change replaces methionine, which is neutral and non-polar, with threonine, which is neutral and polar, at codon 888 of the MKL1 protein (p.Met888Thr).

Blueprint Genetics
Classification: Uncertain significance. Last evaluated: 2021-01-15. Review status: criteria provided, single submitter. Criteria: ACMG Guidelines, 2015. Collection method: clinical testing. Allele origin: germline.

NM_020831.6(MRTFA):c.2963T>C (p.Met988Thr)

Gene: MRTFA (myocardin related transcription factor A; minus strand). Cytogenetic location: 22q13.1.
Variant type: single nucleotide variant.
Coding change: c.2963T>C on transcript NM_020831.6 (MANE Select); coding-DNA position 2963, T replaced by C.
Protein change: p.Met988Thr; replaces methionine 988 with threonine.
Molecular consequence: missense variant. On other transcripts: 3 prime UTR variant (1).
Genome position (GRCh38, 1-based): chr22:40,411,523, A>G on the plus strand (T>C on the coding strand, the complement: MRTFA is on the minus strand). VCF-style: chr22-40411523-A-G. GRCh37 (hg19) VCF-style: chr22-40807527-A-G.
Other names: c.2663T>C, p.Met888Thr (NM_001282660.2); c.2813T>C, p.Met938Thr (NM_001282661.3); c.*276T>C (NM_001282662.3); c.2768T>C, p.Met923Thr (NM_001318139.2); c.2663T>C (NM_020831.3); short protein forms M988T, M938T, M888T, M923T.
Identifiers: ClinVar variation 2970699 (VCV002970699.5), dbSNP rs1353837031, ClinGen allele CA411651497.